The following is an entry in ClinVar:

ClinVar aggregate classification (germline): Pathogenic (1 of 4 stars; one submission).

Conditions:
Developmental and epileptic encephalopathy, 25 (DEE25). Also called: Epileptic encephalopathy, early infantile, 25, with amelogenesis imperfecta; Developmental and epileptic encephalopathy 25, with amelogenesis imperfecta; Epileptic encephalopathy, early infantile, 25. Identifiers: Orphanet 442835, MedGen C4014621, MONDO:0014392, OMIM 615905.

Submission:

Labcorp Genetics (formerly Invitae), Labcorp
Classification: Pathogenic for Developmental and epileptic encephalopathy, 25. Last evaluated: 2022-11-22. Review status: criteria provided, single submitter. Criteria: Invitae Variant Classification Sherloc (09022015). Collection method: clinical testing. Allele origin: germline.
Comment: For these reasons, this variant has been classified as Pathogenic. This variant has not been reported in the literature in individuals affected with SLC13A5-related conditions. This variant is not present in population databases (gnomAD no frequency). This sequence change creates a premature translational stop signal (p.Trp253*) in the SLC13A5 gene. It is expected to result in an absent or disrupted protein product. Loss-of-function variants in SLC13A5 are known to be pathogenic (PMID: 24995870, 26384929).

Literature cited by the submitters: PubMed 24995870; PubMed 26384929.

NM_177550.5(SLC13A5):c.758G>A (p.Trp253Ter)

Gene: SLC13A5 (solute carrier family 13 member 5; minus strand). Cytogenetic location: 17p13.1.
Variant type: single nucleotide variant.
Coding change: c.758G>A on transcript NM_177550.5 (MANE Select); coding-DNA position 758, G replaced by A.
Protein change: p.Trp253Ter; replaces tryptophan 253 with a stop codon.
Molecular consequence: nonsense.
Genome position (GRCh38, 1-based): chr17:6,701,085, C>T on the plus strand (G>A on the coding strand, the complement: SLC13A5 is on the minus strand). VCF-style: chr17-6701085-C-T. GRCh37 (hg19) VCF-style: chr17-6604404-C-T.
Other names: c.758G>A, p.Trp253Ter (NM_001143838.3); c.707G>A, p.Trp236Ter (NM_001284509.2); c.629G>A, p.Trp210Ter (NM_001284510.2); short protein forms W236*, W253*, W210*.
Identifiers: ClinVar variation 2071759 (VCV002071759.4), dbSNP rs1973699766, ClinGen allele CA397747246.
Genomic context (GRCh38, chr17:6,701,085, plus strand): 5'-TGGAGCCACAGCCAGGCGAACAGCAGCATCACCAGCATGTTGGGAAAGGCAAATGCAAAC[C>T]AGGAAGCAAAGTTCACGAGGTCCTTGCTGTCAGGAAACAACCTACAAGAAGACACCGGCC-3'